The following is an entry in ClinVar:

ClinVar aggregate classification (germline): Conflicting classifications of pathogenicity. Review status: criteria provided, conflicting classifications (1 of 4 stars). 3 submissions from 3 submitters: Uncertain significance (2); Likely benign (1). Last evaluated 2017-07-26.

Conditions:
Cardiomyopathy (CMYO). Also called: Cardiomyopathies. Identifiers: Orphanet 167848, MedGen C0878544, MONDO:0004994, HP:0001638. Inheritance: Various modes of inheritance.

Allele frequency attached by ClinVar (database versions not stated): TOPMed 0.00001; gnomAD 0.00001; gnomAD exomes 0.00001.
gnomAD v4.1: 31 of 1,592,470 alleles (0.0019%); highest among the groups gnomAD compares: Admixed American, 0.0033%; no homozygotes.

Submissions (3):

CHEO Genetics Diagnostic Laboratory, Children's Hospital of Eastern Ontario
Classification: Uncertain significance for Cardiomyopathy. Last evaluated: 2017-07-26. Review status: criteria provided, single submitter. Criteria: ACMG Guidelines, 2015. Collection method: clinical testing. Allele origin: germline. Study: Canadian Open Genetics Repository.

GeneDx
Classification: Likely benign. Last evaluated: 2016-07-19. Review status: criteria provided, single submitter. Criteria: GeneDx Variant Classification (06012015). Collection method: clinical testing. Allele origin: germline. Affected: yes.
Comment: This variant is considered likely benign or benign based on one or more of the following criteria: it is a conservative change, it occurs at a poorly conserved position in the protein, it is predicted to be benign by multiple in silico algorithms, and/or has population frequency not consistent with disease.

Eurofins Ntd Llc (ga)
Classification: Uncertain significance. Last evaluated: 2015-04-24. Review status: criteria provided, single submitter. Criteria: EGL Classification Definitions 2015. Collection method: clinical testing. Allele origin: germline. Observed: 2 variant alleles, 2 heterozygotes.

NM_033337.3(CAV3):c.-2C>T

Gene: CAV3 (caveolin 3; plus strand). Cytogenetic location: 3p25.3.
Variant type: single nucleotide variant.
Coding change: c.-2C>T on transcript NM_033337.3 (MANE Select); 2 bases upstream of the start codon, C replaced by T.
Molecular consequence: 5 prime UTR variant.
Genome position (GRCh38, 1-based): chr3:8,733,875, C>T. VCF-style: chr3-8733875-C-T. GRCh37 (hg19) VCF-style: chr3-8775561-C-T.
Other names: c.-2C>T (NM_001234.5).
Identifiers: ClinVar variation 193476 (VCV000193476.7), dbSNP rs772475990, ClinGen allele CA238997.